The following is an entry in ClinVar:

ClinVar aggregate classification (germline): Uncertain significance (1 of 4 stars; one submission).

Submission:

Labcorp Genetics (formerly Invitae), Labcorp
Classification: Uncertain significance. Last evaluated: 2025-07-16. Review status: criteria provided, single submitter. Criteria: Invitae Variant Classification Sherloc (09022015). Collection method: clinical testing. Allele origin: germline.
Comment: This sequence change replaces glutamic acid, which is acidic and polar, with glutamine, which is neutral and polar, at codon 644 of the LRP5 protein (p.Glu644Gln). This variant is not present in population databases (gnomAD no frequency). This variant has not been reported in the literature in individuals affected with LRP5-related conditions. Invitae Evidence Modeling of protein sequence and biophysical properties (such as structural, functional, and spatial information, amino acid conservation, physicochemical variation, residue mobility, and thermodynamic stability) indicates that this missense variant is not expected to disrupt LRP5 protein function with a negative predictive value of 95%. In summary, the available evidence is currently insufficient to determine the role of this variant in disease. Therefore, it has been classified as a Variant of Uncertain Significance.

NM_002335.4(LRP5):c.1930G>C (p.Glu644Gln)

Gene: LRP5 (LDL receptor related protein 5; plus strand). Cytogenetic location: 11q13.2.
Variant type: single nucleotide variant.
Coding change: c.1930G>C on transcript NM_002335.4 (MANE Select); coding-DNA position 1930, G replaced by C.
Protein change: p.Glu644Gln; replaces glutamic acid 644 with glutamine.
Molecular consequence: missense variant.
Genome position (GRCh38, 1-based): chr11:68,406,652, G>C. VCF-style: chr11-68406652-G-C. GRCh37 (hg19) VCF-style: chr11-68174120-G-C.
Other names: c.187G>C, p.Glu63Gln (NM_001291902.2); short protein forms E63Q, E644Q.
Identifiers: ClinVar variation 4693286 (VCV004693286.1).